The following is an entry in ClinVar:

NM_000051.4(ATM):c.8584+16A>G

Genes: ATM (ATM serine/threonine kinase; plus strand), C11orf65 (chromosome 11 open reading frame 65; minus strand). Cytogenetic location: 11q22.3.
Variant type: single nucleotide variant.
Coding change: c.8584+16A>G on transcript NM_000051.4 (MANE Select); 16 bases into the intron after coding-DNA position 8584, A replaced by G.
Molecular consequence: intron variant.
Genome position (GRCh38, 1-based): chr11:108,345,924, A>G. VCF-style: chr11-108345924-A-G. GRCh37 (hg19) VCF-style: chr11-108216651-A-G.
Other names: c.8584+16A>G (NM_001351834.2); c.641-36853T>C (NM_001330368.2); c.695-10632T>C (NM_001351110.2).
Identifiers: ClinVar variation 1574732 (VCV001574732.14), dbSNP rs1322889530, ClinGen allele CA654535447.

ClinVar aggregate classification (germline): Pathogenic/Likely pathogenic. Review status: criteria provided, multiple submitters, no conflicts (2 of 4 stars). 4 submissions from 4 submitters: Pathogenic (1); Likely pathogenic (2). 1 of the submissions does not count toward it. Last evaluated 2026-09-29.

Conditions:
Ataxia-telangiectasia syndrome (AT). Also called: LOUIS-BAR SYNDROME; Cerebello-oculocutaneous telangiectasia; Immunodeficiency with ataxia telangiectasia; Ataxia telangiectasia (A-T); Ataxia-telangiectasia, complementation group D; AT, COMPLEMENTATION GROUP C. Identifiers: Orphanet 100, MedGen C0004135, MONDO:0008840, OMIM 208900.
Hereditary cancer-predisposing syndrome. Also called: Neoplastic Syndromes, Hereditary; Tumor predisposition; Hereditary Cancer Syndrome; Hereditary neoplastic syndrome. Identifiers: Orphanet 140162, MedGen C0027672, MeSH D009386, MONDO:0015356.

Allele frequency attached by ClinVar (database versions not stated): gnomAD exomes below 0.00001; TOPMed below 0.00001; gnomAD 0.00001.
gnomAD v4.1: 3 of 1,612,896 alleles (0.00019%); highest among the groups gnomAD compares: East Asian, 0.0022%; no homozygotes.

Submissions (4):

GeneDx
Classification: Likely pathogenic. Last evaluated: 2026-09-29. Review status: criteria provided, single submitter. Criteria: GeneDx Variant Classification Process June 2021. Collection method: clinical testing. Allele origin: germline.
Comment: RNA studies demonstrate aberrant splicing (External communication with outside laboratories); In silico analysis supports a deleterious effect on splicing; Not observed at significant frequency in large population cohorts (gnomAD); This variant is associated with the following publications: (PMID: 41957288)

Ambry Genetics
Classification: Likely pathogenic for Hereditary cancer-predisposing syndrome. Last evaluated: 2025-07-17. Review status: criteria provided, single submitter. Criteria: Ambry Variant Classification Scheme 2023. Collection method: clinical testing. Allele origin: germline.
Comment: The c.8584+16A>G intronic variant results from an A to G substitution 16 nucleotides after coding exon 57 in the ATM gene. This nucleotide position is well conserved in available vertebrate species. In silico splice site analysis predicts that this alteration will result in the creation or strengthening of a novel splice donor site. RNA studies have demonstrated that this alteration results in abnormal splicing in the set of samples tested (Ambry internal data). Based on the majority of available evidence to date, this variant is likely to be pathogenic.

Labcorp Genetics (formerly Invitae), Labcorp
Classification: Pathogenic for Ataxia-telangiectasia syndrome. Last evaluated: 2024-09-11. Review status: criteria provided, single submitter. Criteria: Invitae Variant Classification Sherloc (09022015). Collection method: clinical testing. Allele origin: germline.
Comment: This sequence change falls in intron 58 of the ATM gene. It does not directly change the encoded amino acid sequence of the ATM protein. RNA analysis indicates that this variant induces altered splicing and may result in an absent or altered protein product. This variant is not present in population databases (gnomAD no frequency). This variant has not been reported in the literature in individuals affected with ATM-related conditions. ClinVar contains an entry for this variant (Variation ID: 1574732). Studies have shown that this variant results in activation of a cryptic splice site, and produces a non-functional protein and/or introduces a premature termination codon (internal data). For these reasons, this variant has been classified as Pathogenic.

Molecular Pathology, Peter Maccallum Cancer Centre
Classification: Uncertain significance for Ataxia-telangiectasia syndrome. Last evaluated: 2025-01-15. Review status: flagged submission. Criteria: ACMG Guidelines, 2015. Collection method: clinical testing. Allele origin: germline. Inheritance: Autosomal recessive inheritance. Not counted in ClinVar's aggregate classification.
ClinVar note: Reason: Outlier claim with insufficient supporting evidence